The following is an entry in ClinVar:

ClinVar aggregate classification (germline): Uncertain significance (1 of 4 stars; one submission).

Submission:

Women's Health and Genetics/Laboratory Corporation of America, LabCorp
Classification: Uncertain significance. Last evaluated: 2024-08-01. Review status: criteria provided, single submitter. Criteria: LabCorp Variant Classification Summary - May 2015. Collection method: clinical testing. Allele origin: germline.
Comment: Variant summary: MTTP c.1946A>G (p.Asn649Ser) results in a conservative amino acid change located in the MTP large subunit, lipid-binding domain (IPR045811) of the encoded protein sequence. Three of five in-silico tools predict a damaging effect of the variant on protein function. The variant was absent in 251156 control chromosomes. c.1946A>G has been reported in the literature in one individual affected with Abetalipoproteinaemia (Bassen-Kornzweig Syndrome) (example, Miller_BBA). These data do not allow any conclusion about variant significance. At least one publication reports experimental evidence evaluating an impact on protein function. The most pronounced variant effect results in about 50% of normal activity in COS-7 cells (Miller_BBA). The following publication has been ascertained in the context of this evaluation (PMID: 25108285). No submitters have cited clinical-significance assessments for this variant to ClinVar. Based on the evidence outlined above, the variant was classified as VUS-possibly pathogenic.

Literature cited by the submitters: PubMed 25108285.

NM_001386140.1(MTTP):c.1946A>G (p.Asn649Ser)

Gene: MTTP (microsomal triglyceride transfer protein; plus strand). Cytogenetic location: 4q23.
Variant type: single nucleotide variant.
Coding change: c.1946A>G on transcript NM_001386140.1 (MANE Select); coding-DNA position 1946, A replaced by G.
Protein change: p.Asn649Ser; replaces asparagine 649 with serine.
Molecular consequence: missense variant.
Genome position (GRCh38, 1-based): chr4:99,611,410, A>G. VCF-style: chr4-99611410-A-G. GRCh37 (hg19) VCF-style: chr4-100532567-A-G.
Other names: c.1946A>G, p.Asn649Ser (NM_000253.4); c.1697A>G, p.Asn566Ser (NM_001300785.2); short protein forms N566S, N649S.
Identifiers: ClinVar variation 3366552 (VCV003366552.1).